The following is an entry in ClinVar:

NM_014915.3(ANKRD26):c.689C>A (p.Ser230Tyr)

Gene: ANKRD26 (ankyrin repeat domain containing 26; minus strand). Cytogenetic location: 10p12.1.
Variant type: single nucleotide variant.
Coding change: c.689C>A on transcript NM_014915.3 (MANE Select); coding-DNA position 689, C replaced by A.
Protein change: p.Ser230Tyr; replaces serine 230 with tyrosine.
Molecular consequence: missense variant.
Genome position (GRCh38, 1-based): chr10:27,086,559, G>T on the plus strand (C>A on the coding strand, the complement: ANKRD26 is on the minus strand). VCF-style: chr10-27086559-G-T. GRCh37 (hg19) VCF-style: chr10-27375488-G-T.
Other names: c.689C>A, p.Ser230Tyr (NM_001256053.2); short protein forms S230Y.
Identifiers: ClinVar variation 3912857 (VCV003912857.1).

ClinVar aggregate classification (germline): Uncertain significance (1 of 4 stars; one submission).

Conditions:
Inborn genetic diseases. Identifiers: MedGen C0950123, MeSH D030342.

gnomAD v4.1: 2 of 1,605,768 alleles (0.00012%); highest among the groups gnomAD compares: Non-Finnish European, 0.00017%; no homozygotes.

Submission:

Ambry Genetics
Classification: Uncertain significance for Inborn genetic diseases. Last evaluated: 2025-03-15. Review status: criteria provided, single submitter. Criteria: Ambry Variant Classification Scheme 2023. Collection method: clinical testing. Allele origin: germline.
Comment: The p.S230Y variant (also known as c.689C>A), located in coding exon 5 of the ANKRD26 gene, results from a C to A substitution at nucleotide position 689. The serine at codon 230 is replaced by tyrosine, an amino acid with dissimilar properties. This amino acid position is conserved. In addition, this alteration is predicted to be tolerated by in silico analysis. Based on the available evidence, the clinical significance of this variant remains unclear.